The following is an entry in ClinVar:

NM_001329943.3(KIAA0586):c.585+1G>A

Gene: KIAA0586 (KIAA0586; plus strand). Cytogenetic location: 14q23.1.
Variant type: single nucleotide variant.
Coding change: c.585+1G>A on transcript NM_001329943.3 (MANE Select); the canonical splice donor site of the intron after coding-DNA position 585, G replaced by A.
Molecular consequence: splice donor variant.
Genome position (GRCh38, 1-based): chr14:58,442,881, G>A. VCF-style: chr14-58442881-G-A. GRCh37 (hg19) VCF-style: chr14-58909599-G-A.
Other names: c.744+1G>A (NM_001244189.2); c.540+1G>A (NM_001244190.2); c.453+1G>A (NM_001244192.2); c.330+1G>A (NM_001244191.2, NM_001364701.2, NM_001329945.2 and 1 more transcripts); c.585+1G>A (NM_001329944.2, NM_001329946.2, NM_001329947.2 and 1 more transcripts); c.165+1G>A (NM_001244193.2).
Identifiers: ClinVar variation 3629981 (VCV003629981.1).

ClinVar aggregate classification (germline): Likely pathogenic (1 of 4 stars; one submission).

Conditions:
Joubert syndrome and related disorders. Identifiers: Orphanet 140874, MedGen C5679612, MONDO:0015369.

gnomAD v4.1: 2 of 1,595,112 alleles (0.00013%); highest among the groups gnomAD compares: African/African-American, 0.0027%; no homozygotes.

Submission:

Women's Health and Genetics/Laboratory Corporation of America, LabCorp
Classification: Likely pathogenic for Joubert syndrome and related disorders. Last evaluated: 2024-11-19. Review status: criteria provided, single submitter. Criteria: LabCorp Variant Classification Summary - May 2015. Collection method: clinical testing. Allele origin: germline.
Comment: Variant summary: KIAA0586 c.744+1G>A is located in a canonical splice-site and is predicted to affect mRNA splicing resulting in a significantly altered protein due to either exon skipping, shortening, or inclusion of intronic material. Variants that disrupt the consensus splice site are a relatively common cause of aberrant splicing and loss of KIAA0586 function. Several computational tools predict a significant impact on normal splicing: Four predict the variant abolishes a 5' splicing donor site. However, these predictions have yet to be confirmed by functional studies. The variant was absent in 221810 control chromosomes. To our knowledge, no occurrence of c.744+1G>A in individuals affected with Joubert Syndrome And Related Disorders and no experimental evidence demonstrating its impact on protein function have been reported. No submitters have cited clinical-significance assessments for this variant to ClinVar. Based on the evidence outlined above, the variant was classified as likely pathogenic.